The following is an entry in ClinVar:

ClinVar aggregate classification (germline): Uncertain significance (1 of 4 stars; one submission).

Allele frequency attached by ClinVar (database versions not stated): TOPMed below 0.00001; gnomAD 0.00001.
gnomAD v4.1: 1 of 1,486,548 alleles (0.000067%); highest among the groups gnomAD compares: Non-Finnish European, 0.00009%; no homozygotes.

Submission:

Labcorp Genetics (formerly Invitae), Labcorp
Classification: Uncertain significance. Last evaluated: 2022-07-30. Review status: criteria provided, single submitter. Criteria: Invitae Variant Classification Sherloc (09022015). Collection method: clinical testing. Allele origin: germline.
Comment: In summary, the available evidence is currently insufficient to determine the role of this variant in disease. Therefore, it has been classified as a Variant of Uncertain Significance. Algorithms developed to predict the effect of missense changes on protein structure and function are either unavailable or do not agree on the potential impact of this missense change (SIFT: "Tolerated"; PolyPhen-2: "Probably Damaging"; Align-GVGD: "Class C0"). ClinVar contains an entry for this variant (Variation ID: 1444097). This variant has not been reported in the literature in individuals affected with STAT4-related conditions. This variant is not present in population databases (gnomAD no frequency). This sequence change replaces glutamic acid, which is acidic and polar, with aspartic acid, which is acidic and polar, at codon 425 of the STAT4 protein (p.Glu425Asp).

NM_003151.4(STAT4):c.1275A>T (p.Glu425Asp)

Gene: STAT4 (signal transducer and activator of transcription 4; minus strand). Cytogenetic location: 2q32.2.
Variant type: single nucleotide variant.
Coding change: c.1275A>T on transcript NM_003151.4 (MANE Select); coding-DNA position 1275, A replaced by T.
Protein change: p.Glu425Asp; replaces glutamic acid 425 with aspartic acid.
Molecular consequence: missense variant.
Genome position (GRCh38, 1-based): chr2:191,041,125, T>A on the plus strand (A>T on the coding strand, the complement: STAT4 is on the minus strand). VCF-style: chr2-191041125-T-A. GRCh37 (hg19) VCF-style: chr2-191905851-T-A.
Other names: c.1275A>T, p.Glu425Asp (NM_001243835.2); short protein forms E425D.
Identifiers: ClinVar variation 1444097 (VCV001444097.8), dbSNP rs1218971959, ClinGen allele CA349911524.